The following is an entry in ClinVar:

NM_005629.4(SLC6A8):c.912+6G>A

Gene: SLC6A8 (solute carrier family 6 member 8; plus strand). Cytogenetic location: Xq28.
Variant type: single nucleotide variant.
Coding change: c.912+6G>A on transcript NM_005629.4 (MANE Select); 6 bases into the intron after coding-DNA position 912, G replaced by A.
Molecular consequence: intron variant.
Genome position (GRCh38, 1-based): chrX:153,693,181, G>A. VCF-style: chrX-153693181-G-A. GRCh37 (hg19) VCF-style: chrX-152958636-G-A.
Other names: c.912+6G>A (NM_001142805.2); c.567+6G>A (NM_001142806.1).
Identifiers: ClinVar variation 4687562 (VCV004687562.1).

ClinVar aggregate classification (germline): Uncertain significance (1 of 4 stars; one submission).

gnomAD v4.1: 2 of 1,211,243 alleles (0.00017%); highest among the groups gnomAD compares: Non-Finnish European, 0.00022%; no homozygotes.

Submission:

Women's Health and Genetics/Laboratory Corporation of America, LabCorp
Classification: Uncertain significance. Last evaluated: 2025-10-06. Review status: criteria provided, single submitter. Criteria: LabCorp Variant Classification Summary - May 2015. Collection method: clinical testing. Allele origin: germline.
Comment: Variant summary: SLC6A8 c.912+6G>A alters a nucleotide located close to a canonical splice site and therefore could affect mRNA splicing, leading to a significantly altered protein sequence. Consensus agreement among computation tools predict no significant impact on normal splicing. However, these predictions have yet to be confirmed by functional studies. The variant was absent in 180940 control chromosomes. The available data on variant occurrences in the general population are insufficient to allow any conclusion about variant significance. To our knowledge, no occurrence of c.912+6G>A in individuals affected with SLC6A8-related conditions and no experimental evidence demonstrating its impact on protein function have been reported. No submitters have cited clinical-significance assessments for this variant to ClinVar. Based on the evidence outlined above, the variant was classified as uncertain significance.